The following is an entry in ClinVar:

ClinVar aggregate classification (germline): Uncertain significance (1 of 4 stars; one submission).

Conditions:
Hereditary cancer-predisposing syndrome. Also called: Hereditary neoplastic syndrome; Tumor predisposition; Hereditary Cancer Syndrome; Neoplastic Syndromes, Hereditary. Identifiers: Orphanet 140162, MedGen C0027672, MeSH D009386, MONDO:0015356.

Submission:

Ambry Genetics
Classification: Uncertain significance for Hereditary cancer-predisposing syndrome. Last evaluated: 2023-08-06. Review status: criteria provided, single submitter. Criteria: Ambry Variant Classification Scheme 2023. Collection method: clinical testing. Allele origin: germline.
Comment: The p.H82P variant (also known as c.245A>C), located in coding exon 1 of the GREM1 gene, results from an A to C substitution at nucleotide position 245. The histidine at codon 82 is replaced by proline, an amino acid with similar properties. This amino acid position is conserved. In addition, the in silico prediction for this alteration is inconclusive. Since supporting evidence is limited at this time, the clinical significance of this alteration remains unclear.

NM_013372.7(GREM1):c.245A>C (p.His82Pro)

Gene: GREM1 (gremlin 1, DAN family BMP antagonist; plus strand). Cytogenetic location: 15q13.3.
Variant type: single nucleotide variant.
Coding change: c.245A>C on transcript NM_013372.7 (MANE Select); coding-DNA position 245, A replaced by C.
Protein change: p.His82Pro; replaces histidine 82 with proline.
Molecular consequence: missense variant.
Genome position (GRCh38, 1-based): chr15:32,730,935, A>C. VCF-style: chr15-32730935-A-C. GRCh37 (hg19) VCF-style: chr15-33023136-A-C.
Other names: c.35A>C, p.His12Pro (NM_001191322.2); c.122A>C, p.His41Pro (NM_001191323.2); c.245A>C, p.His82Pro (NM_001368719.1); short protein forms H82P, H41P, H12P.
Identifiers: ClinVar variation 2586804 (VCV002586804.2), dbSNP rs745880464, ClinGen allele CA391557505.